The following is an entry in ClinVar:

NC_000002.12:g.121530995A>T

Genes: CLASP1 (cytoplasmic linker associated protein 1; minus strand), CLASP1-AS1 (CLASP1 antisense RNA 1; plus strand), RNU4ATAC (RNA, U4atac small nuclear; plus strand). Cytogenetic location: 2q14.2.
Variant type: single nucleotide variant.
Molecular consequence: intron variant (on NM_001395891.1).
Genome position: GRCh38 VCF-style: chr2-121530995-A-T. GRCh37 (hg19) VCF-style: chr2-122288571-A-T.
Other names: c.196-670T>A (NM_001142274.2, NM_015282.3, NM_001378003.1 and 5 more transcripts).
Identifiers: ClinVar variation 812960 (VCV000812960.7), dbSNP rs982261295, ClinGen allele CA428888214.

ClinVar aggregate classification (germline): Likely pathogenic. Review status: criteria provided, multiple submitters, no conflicts (2 of 4 stars). 3 submissions from 3 submitters: Likely pathogenic (2). 1 of the submissions does not count toward it. Last evaluated 2025-08-15.

Conditions:
RNU4ATAC spectrum disorder. Also called: RNU4atac-opathy. Identifiers: MedGen CN377746, MONDO:0100558.
Roifman syndrome (RFMN). Also called: SPONDYLOEPIPHYSEAL DYSPLASIA, RETINAL DYSTROPHY, AND ANTIBODY DEFICIENCY. Identifiers: Orphanet 353298, MedGen C1846059, MONDO:0014722, OMIM 616651.

gnomAD v4.1: 5 of 700,280 alleles (0.00071%); highest among the groups gnomAD compares: South Asian, 0.003%; no homozygotes.

Submissions (3):

Broad Center for Mendelian Genomics, Broad Institute of MIT and Harvard
Classification: Likely pathogenic for RNU4ATAC spectrum disorder. Last evaluated: 2025-08-15. Review status: criteria provided, single submitter. Criteria: Ellingford et al. (Genome Med. 2022). Collection method: curation. Allele origin: germline. Inheritance: Autosomal recessive inheritance.
Comment: The heterozygous n.116A>T variant in RNU4ATAC was identified by our study, in the compound heterozygous state, in two individuals with RNU4ATAC spectrum disorder (PMID: 30214071). The variant has been reported in two siblings with RNU4ATAC spectrum disorder (PMID: PMID: 28623346), and has been identified in 0.002% (2/67502) of South Asian chromosomes by the Genome Aggregation Database (gnomAD; dbSNP rs982261295). Although this variant has been seen in the general population in a heterozygous state, its frequency is low enough to be consistent with a recessive carrier frequency. This variant has also been reported in ClinVar (VCV000812960.5) and has been interpreted as likely pathogenic by Labcorp Genetics (formerly Invitae). Of the four affected individuals, all four were compound heterozygotes that carried a reported pathogenic variant in trans or with unknown phase, which increases the likelihood that the n.116A>T variant is pathogenic (VCV000030179.13, VCV000218083.44; PMID: 28623346). The n.116A>T variant is located in the Sm protein binding region of RNU4ATAC where several other variants have been identified, suggesting that this variant is in a functional domain and supports pathogenicity (PMID: 26522830, 32628740). In summary, although additional studies are required to fully establish its clinical significance, this variant is likely pathogenic for autosomal recessive RNU4ATAC spectrum disorder. ACMG/AMP Criteria applied: PM3_strong, PM1, PM2_supporting (Richards 2015).

Labcorp Genetics (formerly Invitae), Labcorp
Classification: Likely pathogenic. Last evaluated: 2023-12-10. Review status: criteria provided, single submitter. Criteria: Invitae Variant Classification Sherloc (09022015). Collection method: clinical testing. Allele origin: germline.
Comment: This variant occurs in the RNU4ATAC gene, which encodes an RNA molecule that does not result in a protein product. This variant is present in population databases (no rsID available, gnomAD 0.02%). This variant has been observed in individual(s) with Roifman Syndrome (PMID: 28623346). In at least one individual the data is consistent with being in trans (on the opposite chromosome) from a pathogenic variant. It has also been observed to segregate with disease in related individuals. ClinVar contains an entry for this variant (Variation ID: 812960). This variant is located within the Sm protein-binding region of the RNU4ATAC RNA, which is important for small nuclear RNA maturation (PMID: 32628740). A significant number of disease-associated RNU4ATAC variants are found in this region (PMID: 32628740, 30368667). In summary, the currently available evidence indicates that the variant is pathogenic, but additional data are needed to prove that conclusively. Therefore, this variant has been classified as Likely Pathogenic.

NIHR Bioresource Rare Diseases, University of Cambridge
Classification: Likely pathogenic for Roifman syndrome. Review status: no assertion criteria provided. Collection method: research. Allele origin: unknown. Affected: yes. Observed: 1 variant allele. Not counted in ClinVar's aggregate classification.

Literature cited by the submitters: PubMed 28623346 (cited by Labcorp Genetics (formerly Invitae), Labcorp); PubMed 32628740 (cited by Labcorp Genetics (formerly Invitae), Labcorp); PubMed 30368667 (cited by Labcorp Genetics (formerly Invitae), Labcorp); PubMed 32581362 (cited by NIHR Bioresource Rare Diseases, University of Cambridge).